The following is an entry in ClinVar:

ClinVar aggregate classification (germline): Uncertain significance (1 of 4 stars; one submission).

Conditions:
Brugada syndrome 8 (BRGDA8). Identifiers: Orphanet 130, MedGen C2751083, MONDO:0013148, OMIM 613123.

Allele frequency attached by ClinVar (database versions not stated): TOPMed 0.00001.

Submission:

Labcorp Genetics (formerly Invitae), Labcorp
Classification: Uncertain significance for Brugada syndrome 8. Last evaluated: 2022-02-22. Review status: criteria provided, single submitter. Criteria: Invitae Variant Classification Sherloc (09022015). Collection method: clinical testing. Allele origin: germline.
Comment: This sequence change replaces glycine, which is neutral and non-polar, with aspartic acid, which is acidic and polar, at codon 107 of the HCN4 protein (p.Gly107Asp). This variant is not present in population databases (gnomAD no frequency). This variant has not been reported in the literature in individuals affected with HCN4-related conditions. Advanced modeling of protein sequence and biophysical properties (such as structural, functional, and spatial information, amino acid conservation, physicochemical variation, residue mobility, and thermodynamic stability) performed at Invitae indicates that this missense variant is not expected to disrupt HCN4 protein function. In summary, the available evidence is currently insufficient to determine the role of this variant in disease. Therefore, it has been classified as a Variant of Uncertain Significance.

NM_005477.3(HCN4):c.320G>A (p.Gly107Asp)

Gene: HCN4 (hyperpolarization activated cyclic nucleotide gated potassium channel 4; minus strand). Cytogenetic location: 15q24.1.
Variant type: single nucleotide variant.
Coding change: c.320G>A on transcript NM_005477.3 (MANE Select); coding-DNA position 320, G replaced by A.
Protein change: p.Gly107Asp; replaces glycine 107 with aspartic acid.
Molecular consequence: missense variant.
Genome position (GRCh38, 1-based): chr15:73,367,951, C>T on the plus strand (G>A on the coding strand, the complement: HCN4 is on the minus strand). VCF-style: chr15-73367951-C-T. GRCh37 (hg19) VCF-style: chr15-73660292-C-T.
Other names: short protein forms G107D.
Identifiers: ClinVar variation 2168642 (VCV002168642.1), dbSNP rs2043137014, ClinGen allele CA393098387.